The following is an entry in ClinVar:

NM_001370259.2(MEN1):c.965T>A (p.Met322Lys)

Gene: MEN1 (menin 1; minus strand). Cytogenetic location: 11q13.1.
Variant type: single nucleotide variant.
Coding change: c.965T>A on transcript NM_001370259.2 (MANE Select); coding-DNA position 965, T replaced by A.
Protein change: p.Met322Lys; replaces methionine 322 with lysine.
Molecular consequence: missense variant.
Genome position (GRCh38, 1-based): chr11:64,806,316, A>T on the plus strand (T>A on the coding strand, the complement: MEN1 is on the minus strand). VCF-style: chr11-64806316-A-T. GRCh37 (hg19) VCF-style: chr11-64573788-A-T.
Other names: c.980T>A, p.Met327Lys (NM_000244.4, NM_001407145.1, NM_001407150.1 and 5 more transcripts); c.965T>A, p.Met322Lys (NM_001370251.2, NM_001370260.2, NM_001370261.2 and 7 more transcripts); c.860T>A, p.Met287Lys (NM_001370262.2, NM_001370263.2, NM_001407148.1 and 2 more transcripts); short protein forms M287K, M327K, M322K.
Identifiers: ClinVar variation 1958366 (VCV001958366.6), dbSNP rs1941725569, ClinGen allele CA381183349.

ClinVar aggregate classification (germline): Uncertain significance. Review status: criteria provided, multiple submitters, no conflicts (2 of 4 stars). 2 submissions from 2 submitters: Uncertain significance (2). Last evaluated 2026-01-13.

Conditions:
Hereditary cancer-predisposing syndrome. Also called: Neoplastic Syndromes, Hereditary; Tumor predisposition; Hereditary Cancer Syndrome; Hereditary neoplastic syndrome. Identifiers: Orphanet 140162, MedGen C0027672, MeSH D009386, MONDO:0015356.
Multiple endocrine neoplasia, type 1 (MEN1). Also called: MEA I; MEN I; WERMER SYNDROME; Endocrine adenomatosis multiple; MEN 1. Identifiers: Orphanet 652, MedGen C0025267, MeSH D018761, MONDO:0007540, OMIM 131100.

Submissions (2):

Ambry Genetics
Classification: Uncertain significance for Hereditary cancer-predisposing syndrome. Last evaluated: 2026-01-13. Review status: criteria provided, single submitter. Criteria: Ambry Variant Classification Scheme 2023. Collection method: clinical testing. Allele origin: germline.
Comment: The p.M322K variant (also known as c.965T>A), located in coding exon 6 of the MEN1 gene, results from a T to A substitution at nucleotide position 965. The methionine at codon 322 is replaced by lysine, an amino acid with similar properties. This amino acid position is well conserved in available vertebrate species. In addition, this alteration is predicted to be deleterious by in silico analysis. Based on the available evidence, the clinical significance of this variant remains unclear.

Labcorp Genetics (formerly Invitae), Labcorp
Classification: Uncertain significance for Multiple endocrine neoplasia, type 1. Last evaluated: 2025-12-08. Review status: criteria provided, single submitter. Criteria: Invitae Variant Classification Sherloc (09022015). Collection method: clinical testing. Allele origin: germline.
Comment: This sequence change replaces methionine, which is neutral and non-polar, with lysine, which is basic and polar, at codon 322 of the MEN1 protein (p.Met322Lys). This variant is not present in population databases (gnomAD no frequency). This variant has not been reported in the literature in individuals affected with MEN1-related conditions. ClinVar contains an entry for this variant (Variation ID: 1958366). Invitae Evidence Modeling of protein sequence and biophysical properties (such as structural, functional, and spatial information, amino acid conservation, physicochemical variation, residue mobility, and thermodynamic stability) has been performed for this missense variant. However, the output from this modeling did not meet the statistical confidence thresholds required to predict the impact of this variant on MEN1 protein function. In summary, the available evidence is currently insufficient to determine the role of this variant in disease. Therefore, it has been classified as a Variant of Uncertain Significance.